The following is an entry in ClinVar:

ClinVar aggregate classification (germline): Likely benign (1 of 4 stars; one submission).

Allele frequency attached by ClinVar (database versions not stated): ExAC 0.00003; gnomAD 0.00007.
gnomAD v4.1: 149 of 1,377,398 alleles (0.011%); highest among the groups gnomAD compares: Non-Finnish European, 0.014%; no homozygotes.

Submission:

CeGaT Center for Human Genetics Tuebingen
Classification: Likely benign. Last evaluated: 2024-01-01. Review status: criteria provided, single submitter. Criteria: CeGaT Center For Human Genetics Tuebingen Variant Classification Criteria Version 2. Collection method: clinical testing. Allele origin: germline. Affected: yes. Observed: 2 variant alleles.
Comment: TRAPPC2L: BP4, BP7

NM_001318525.2(TRAPPC2L):c.207-78C>T

Gene: TRAPPC2L (trafficking protein particle complex subunit 2L; plus strand). Cytogenetic location: 16q24.3.
Variant type: single nucleotide variant.
Coding change: c.207-78C>T on transcript NM_001318525.2 (MANE Select); 78 bases into the intron before coding-DNA position 207, C replaced by T.
Molecular consequence: intron variant. On other transcripts: synonymous variant (4), non-coding transcript variant (2).
Genome position (GRCh38, 1-based): chr16:88,859,585, C>T. VCF-style: chr16-88859585-C-T. GRCh37 (hg19) VCF-style: chr16-88925993-C-T.
Other names: c.99C>T, p.Phe33= (NM_001318526.2); c.36C>T, p.Phe12= (NM_001318527.2, NM_001318529.2, NM_001318532.2); c.207-78C>T (NM_001318524.2, NM_016209.5); c.117-78C>T (NM_001318528.2, NM_001318530.2).
Identifiers: ClinVar variation 2647015 (VCV002647015.24), dbSNP rs747479332, ClinGen allele CA8235595.